The following is an entry in ClinVar:

NM_021076.4(NEFH):c.395T>A (p.Leu132Gln)

Gene: NEFH (neurofilament heavy chain; plus strand). Cytogenetic location: 22q12.2.
Variant type: single nucleotide variant.
Coding change: c.395T>A on transcript NM_021076.4 (MANE Select); coding-DNA position 395, T replaced by A.
Protein change: p.Leu132Gln; replaces leucine 132 with glutamine.
Molecular consequence: missense variant.
Genome position (GRCh38, 1-based): chr22:29,480,657, T>A. VCF-style: chr22-29480657-T-A. GRCh37 (hg19) VCF-style: chr22-29876646-T-A.
Other names: short protein forms L132Q.
Identifiers: ClinVar variation 1911997 (VCV001911997.5), dbSNP rs2517968695, ClinGen allele CA411122765.

ClinVar aggregate classification (germline): Uncertain significance (1 of 4 stars; one submission).

gnomAD v4.1: 20 of 1,554,260 alleles (0.0013%); highest among the groups gnomAD compares: Non-Finnish European, 0.0017%; no homozygotes.

Submission:

Labcorp Genetics (formerly Invitae), Labcorp
Classification: Uncertain significance. Last evaluated: 2023-12-22. Review status: criteria provided, single submitter. Criteria: Invitae Variant Classification Sherloc (09022015). Collection method: clinical testing. Allele origin: germline.
Comment: This sequence change replaces leucine, which is neutral and non-polar, with glutamine, which is neutral and polar, at codon 132 of the NEFH protein (p.Leu132Gln). This variant is not present in population databases (gnomAD no frequency). This variant has not been reported in the literature in individuals affected with NEFH-related conditions. ClinVar contains an entry for this variant (Variation ID: 1911997). Experimental studies and prediction algorithms are not available or were not evaluated, and the functional significance of this variant is currently unknown. In summary, the available evidence is currently insufficient to determine the role of this variant in disease. Therefore, it has been classified as a Variant of Uncertain Significance.